The following is an entry in ClinVar:

Conditions:
Arteriohepatic dysplasia. Also called: Alagille Syndrome. Identifiers: Orphanet 52, MedGen C0085280, MeSH D016738, MONDO:0007318.

Submission:

Gilbert/Spinner Lab, Children's Hospital of Philadelphia
No classification provided (evidence only). Condition: Alagille syndrome. Review status: no classification provided. Collection method: research. Allele origin: not applicable. Functional consequence: functionally_abnormal.
ClinVar note: "not provided" was previously submitted as the classification for the variant. However, the classification appeared to be based only on an observation of functional data so it was converted to no classification on 2025-07-30.

NM_000214.3(JAG1):c.432C>A (p.Asp144Glu)

Gene: JAG1 (jagged canonical Notch ligand 1; minus strand). Cytogenetic location: 20p12.2.
Variant type: single nucleotide variant.
Coding change: c.432C>A on transcript NM_000214.3 (MANE Select); coding-DNA position 432, C replaced by A.
Protein change: p.Asp144Glu; replaces aspartic acid 144 with glutamic acid.
Molecular consequence: missense variant.
Genome position (GRCh38, 1-based): chr20:10,663,970, G>T on the plus strand (C>A on the coding strand, the complement: JAG1 is on the minus strand). VCF-style: chr20-10663970-G-T. GRCh37 (hg19) VCF-style: chr20-10644618-G-T.
Other names: short protein forms D144E.
Identifiers: ClinVar variation 3573309 (VCV003573309.2).